The following is an entry in ClinVar:

NM_005534.4(IFNGR2):c.58G>A (p.Ala20Thr)

Genes: IFNGR2 (interferon gamma receptor 2; plus strand), LOC119266102 (IFNGR2 promoter region; plus strand). Cytogenetic location: 21q22.11.
Variant type: single nucleotide variant.
Coding change: c.58G>A on transcript NM_005534.4 (MANE Select); coding-DNA position 58, G replaced by A.
Protein change: p.Ala20Thr; replaces alanine 20 with threonine.
Molecular consequence: missense variant.
Genome position (GRCh38, 1-based): chr21:33,403,601, G>A. VCF-style: chr21-33403601-G-A. GRCh37 (hg19) VCF-style: chr21-34775907-G-A.
Other names: c.58G>A, p.Ala20Thr (NM_001329128.2); short protein forms A20T.
Identifiers: ClinVar variation 582069 (VCV000582069.11), dbSNP rs1176465152, ClinGen allele CA410113962.

ClinVar aggregate classification (germline): Uncertain significance (1 of 4 stars; one submission).

Conditions:
Immunodeficiency 28 (IMD28). Also called: IFNGR2 DEFICIENCY. Identifiers: Orphanet 319547, Orphanet 319574, MedGen C4013947, MONDO:0013953, OMIM 614889.

Allele frequency attached by ClinVar (database versions not stated): gnomAD 0.00001; TOPMed 0.00001.
gnomAD v4.1: 37 of 1,359,578 alleles (0.0027%); highest among the groups gnomAD compares: African/African-American, 0.0031%; no homozygotes.

Submission:

Labcorp Genetics (formerly Invitae), Labcorp
Classification: Uncertain significance for Immunodeficiency 28. Last evaluated: 2026-01-26. Review status: criteria provided, single submitter. Criteria: Invitae Variant Classification Sherloc (09022015). Collection method: clinical testing. Allele origin: germline.
Comment: This sequence change replaces alanine, which is neutral and non-polar, with threonine, which is neutral and polar, at codon 20 of the IFNGR2 protein (p.Ala20Thr). This variant is not present in population databases (gnomAD no frequency). This variant has not been reported in the literature in individuals affected with IFNGR2-related conditions. ClinVar contains an entry for this variant (Variation ID: 582069). Invitae Evidence Modeling of protein sequence and biophysical properties (such as structural, functional, and spatial information, amino acid conservation, physicochemical variation, residue mobility, and thermodynamic stability) indicates that this missense variant is not expected to disrupt IFNGR2 protein function with a negative predictive value of 80%. In summary, the available evidence is currently insufficient to determine the role of this variant in disease. Therefore, it has been classified as a Variant of Uncertain Significance.